The following is an entry in ClinVar:

ClinVar aggregate classification (germline): Uncertain significance (1 of 4 stars; one submission).

Conditions:
Inborn genetic diseases. Identifiers: MedGen C0950123, MeSH D030342.

Submission:

Ambry Genetics
Classification: Uncertain significance for Inborn genetic diseases. Last evaluated: 2025-10-07. Review status: criteria provided, single submitter. Criteria: Ambry Variant Classification Scheme 2023. Collection method: clinical testing. Allele origin: germline.
Comment: The p.S1558I variant (also known as c.4673G>T), located in coding exon 1 of the SAMD9L gene, results from a G to T substitution at nucleotide position 4673. The serine at codon 1558 is replaced by isoleucine, an amino acid with dissimilar properties. This amino acid position is conserved. In addition, this alteration is predicted to be tolerated by in silico analysis. Based on the available evidence, the clinical significance of this variant remains unclear.

NM_152703.5(SAMD9L):c.4673G>T (p.Ser1558Ile)

Gene: SAMD9L (sterile alpha motif domain containing 9 like; minus strand). Cytogenetic location: 7q21.2.
Variant type: single nucleotide variant.
Coding change: c.4673G>T on transcript NM_152703.5 (MANE Select); coding-DNA position 4673, G replaced by T.
Protein change: p.Ser1558Ile; replaces serine 1558 with isoleucine.
Molecular consequence: missense variant.
Genome position (GRCh38, 1-based): chr7:93,131,299, C>A on the plus strand (G>T on the coding strand, the complement: SAMD9L is on the minus strand). VCF-style: chr7-93131299-C-A. GRCh37 (hg19) VCF-style: chr7-92760612-C-A.
Other names: c.4673G>T, p.Ser1558Ile (NM_001303496.3, NM_001303497.3, NM_001303498.3 and 5 more transcripts); short protein forms S1558I.
Identifiers: ClinVar variation 4630044 (VCV004630044.1).